The following is an entry in ClinVar:

NM_001042492.3(NF1):c.7425A>G (p.Thr2475=)

Gene: NF1 (neurofibromin 1; plus strand). Cytogenetic location: 17q11.2.
Variant type: single nucleotide variant.
Coding change: c.7425A>G on transcript NM_001042492.3 (MANE Select); coding-DNA position 7425, A replaced by G.
Protein change: p.Thr2475=; no amino-acid change (threonine 2475 retained).
Molecular consequence: synonymous variant.
Genome position (GRCh38, 1-based): chr17:31,350,286, A>G. VCF-style: chr17-31350286-A-G. GRCh37 (hg19) VCF-style: chr17-29677304-A-G.
Other names: c.7362A>G, p.Thr2454= (NM_000267.4).
Identifiers: ClinVar variation 4876195 (VCV004876195.1).

ClinVar aggregate classification (germline): Benign (1 of 4 stars; one submission).

Conditions:
Neurofibromatosis, type 1 (NF1). Also called: VON RECKLINGHAUSEN DISEASE; NEUROFIBROMATOSIS, TYPE I, SOMATIC; Peripheral type neurofibromatosis; Neurofibromatosis, type I. Identifiers: Orphanet 636, MedGen C0027831, MONDO:0018975, OMIM 162200. Disease mechanism: loss of function.

Submission:

Myriad Genetics, Inc.
Classification: Benign for Neurofibromatosis, type 1. Last evaluated: 2026-05-21. Review status: criteria provided, single submitter. Criteria: Myriad Autosomal Dominant, Autosomal Recessive and X-Linked Classification Criteria (2023). Collection method: clinical testing. Allele origin: unknown.
Comment: This variant is considered benign. This variant is a silent/synonymous amino acid change and it is not expected to impact splicing.